The following is an entry in ClinVar:

NM_000169.3(GLA):c.40C>T (p.Leu14Phe)

Genes: GLA (galactosidase alpha; minus strand), RPL36A-HNRNPH2 (RPL36A-HNRNPH2 readthrough; plus strand). Cytogenetic location: Xq22.1.
Variant type: single nucleotide variant.
Coding change: c.40C>T on transcript NM_000169.3 (MANE Select); coding-DNA position 40, C replaced by T.
Protein change: p.Leu14Phe; replaces leucine 14 with phenylalanine.
Molecular consequence: missense variant. On other transcripts: non-coding transcript variant (3), intron variant (2).
Genome position (GRCh38, 1-based): chrX:101,407,864, G>A on the plus strand (C>T on the coding strand, the complement: GLA is on the minus strand). VCF-style: chrX-101407864-G-A. GRCh37 (hg19) VCF-style: chrX-100662852-G-A.
Other names: c.301-4072G>A (NM_001199973.2); c.178-4072G>A (NM_001199974.2); c.40C>T, p.Leu14Phe (NM_001406747.1, NM_001406748.1, NM_001406749.1); short protein forms L14F.
Identifiers: ClinVar variation 1357353 (VCV001357353.9), dbSNP rs2147487699, ClinGen allele CA413937779.

ClinVar aggregate classification (germline): Uncertain significance. Review status: criteria provided, multiple submitters, no conflicts (2 of 4 stars). 2 submissions from 2 submitters: Uncertain significance (2). Last evaluated 2025-06-09.

Conditions:
Fabry disease. Also called: Fabry's disease; ALPHA-GALACTOSIDASE A DEFICIENCY; ANDERSON-FABRY DISEASE; CERAMIDE TRIHEXOSIDASE DEFICIENCY; GLA DEFICIENCY; HEREDITARY DYSTOPIC LIPIDOSIS. Identifiers: Orphanet 324, MedGen C0002986, MONDO:0010526, OMIM 301500, HP:0001071. Disease mechanism: Fabry disease is due to inactivating mutations in the X-linked GLA gene resulting in deficiency of the enzyme Alpha Galactosidase-A., loss of function.

Submissions (2):

Color Diagnostics, LLC DBA Color Health
Classification: Uncertain significance for Fabry disease. Last evaluated: 2025-06-09. Review status: criteria provided, single submitter. Criteria: ACMG Guidelines, 2015. Collection method: clinical testing. Allele origin: germline.
Comment: This missense variant replaces leucine with phenylalanine at codon 14 of the GLA protein. Computational prediction suggests that this variant may not impact protein structure and function. To our knowledge, functional studies have not been reported for this variant. This variant has not been reported in individuals affected with GLA-related disorders in the literature. This variant has not been identified in the general population by the Genome Aggregation Database (gnomAD). The available evidence is insufficient to determine the role of this variant in disease conclusively. Therefore, this variant is classified as a Variant of Uncertain Significance.

Labcorp Genetics (formerly Invitae), Labcorp
Classification: Uncertain significance for Fabry disease. Last evaluated: 2021-05-30. Review status: criteria provided, single submitter. Criteria: Invitae Variant Classification Sherloc (09022015). Collection method: clinical testing. Allele origin: germline.
Comment: This sequence change replaces leucine with phenylalanine at codon 14 of the GLA protein (p.Leu14Phe). The leucine residue is moderately conserved and there is a small physicochemical difference between leucine and phenylalanine. This variant is not present in population databases (ExAC no frequency). This variant has not been reported in the literature in individuals with GLA-related conditions. Algorithms developed to predict the effect of missense changes on protein structure and function output the following: SIFT: "Tolerated"; PolyPhen-2: "Benign"; Align-GVGD: "Class C0". The phenylalanine amino acid residue is found in multiple mammalian species, suggesting that this missense change does not adversely affect protein function. These predictions have not been confirmed by published functional studies and their clinical significance is uncertain. In summary, the available evidence is currently insufficient to determine the role of this variant in disease. Therefore, it has been classified as a Variant of Uncertain Significance.